The following is an entry in ClinVar:

ClinVar aggregate classification (germline): Uncertain significance. Review status: criteria provided, multiple submitters, no conflicts (2 of 4 stars). 2 submissions from 2 submitters: Uncertain significance (2). Last evaluated 2024-06-17.

Conditions:
Fanconi anemia (FA). Also called: Fanconi's anemia. Identifiers: Orphanet 84, MedGen C0015625, MeSH D005199, MONDO:0019391.
Fanconi anemia complementation group L (FANCL). Also called: FANCL-Related Fanconi Anemia. Identifiers: Orphanet 84, MedGen C3469528, MONDO:0013566, OMIM 614083.

Allele frequency attached by ClinVar (database versions not stated): gnomAD exomes below 0.00001 and 0.00001; ExAC 0.00001.
gnomAD v4.1: 1 of 1,611,258 alleles (0.000062%); highest among the groups gnomAD compares: East Asian, 0.0022%; no homozygotes.

Submissions (2):

Labcorp Genetics (formerly Invitae), Labcorp
Classification: Uncertain significance for Fanconi anemia. Last evaluated: 2024-06-17. Review status: criteria provided, single submitter. Criteria: Invitae Variant Classification Sherloc (09022015). Collection method: clinical testing. Allele origin: germline.
Comment: This sequence change replaces glycine, which is neutral and non-polar, with arginine, which is basic and polar, at codon 119 of the FANCL protein (p.Gly119Arg). This variant is present in population databases (rs764393410, gnomAD 0.01%). This variant has not been reported in the literature in individuals affected with FANCL-related conditions. ClinVar contains an entry for this variant (Variation ID: 653483). Advanced modeling of protein sequence and biophysical properties (such as structural, functional, and spatial information, amino acid conservation, physicochemical variation, residue mobility, and thermodynamic stability) performed at Invitae indicates that this missense variant is not expected to disrupt FANCL protein function with a negative predictive value of 80%. In summary, the available evidence is currently insufficient to determine the role of this variant in disease. Therefore, it has been classified as a Variant of Uncertain Significance.

Fulgent Genetics
Classification: Uncertain significance for Fanconi anemia complementation group L. Last evaluated: 2024-04-03. Review status: criteria provided, single submitter. Criteria: ACMG Guidelines, 2015. Collection method: clinical testing. Allele origin: germline.

NM_018062.4(FANCL):c.355G>A (p.Gly119Arg)

Gene: FANCL (FA complementation group L; minus strand). Cytogenetic location: 2p16.1.
Variant type: single nucleotide variant.
Coding change: c.355G>A on transcript NM_018062.4 (MANE Select); coding-DNA position 355, G replaced by A.
Protein change: p.Gly119Arg; replaces glycine 119 with arginine.
Molecular consequence: missense variant.
Genome position (GRCh38, 1-based): chr2:58,221,961, C>T on the plus strand (G>A on the coding strand, the complement: FANCL is on the minus strand). VCF-style: chr2-58221961-C-T. GRCh37 (hg19) VCF-style: chr2-58449096-C-T.
Other names: c.355G>A, p.Gly119Arg (NM_001114636.2, NM_001374615.1, NM_001410792.1); short protein forms G119R.
Identifiers: ClinVar variation 653483 (VCV000653483.9), dbSNP rs764393410, ClinGen allele CA1670678.